The following is an entry in ClinVar:

ClinVar aggregate classification (germline): Likely benign. Review status: reviewed by expert panel (3 of 4 stars). 3 submissions from 3 submitters: Likely benign (1). 2 of the submissions do not count toward it. Last evaluated 2024-06-24.

Conditions:
Hereditary thrombocytopenia and hematological cancer predisposition syndrome associated with RUNX1. Also called: RUNX1 Familial Platelet Disorder with Associated Myeloid Malignancies; Familial Platelet Disorder with Propensity to Acute Myelogenous Leukemia; PLATELET DISORDER, ASPIRIN-LIKE; Familial thrombocytopenia with propensity to acute myelogenous leukemia. Identifiers: Orphanet 71290, MedGen C1832388, MeSH C563324, MONDO:0100083, OMIM 601399.
Hereditary thrombocytopenia and hematologic cancer predisposition syndrome. Identifiers: Orphanet 71290, MedGen CN281654, MONDO:0011071.
Inborn genetic diseases. Identifiers: MedGen C0950123, MeSH D030342.

Allele frequency attached by ClinVar (database versions not stated): gnomAD 0.00001; TOPMed 0.00001; gnomAD exomes below 0.00001; ExAC 0.00002.
gnomAD v4.1: 4 of 1,606,772 alleles (0.00025%); highest among the groups gnomAD compares: East Asian, 0.0022%; no homozygotes.

Submissions (3):

ClinGen Myeloid Malignancy Variant Curation Expert Panel
Classification: Likely benign for Hereditary thrombocytopenia and hematologic cancer predisposition syndrome. Last evaluated: 2024-06-24. Review status: reviewed by expert panel. Criteria: ClinGen MyeloMalig ACMG Specifications v2. Collection method: curation. Allele origin: germline. Inheritance: Autosomal dominant inheritance.
Comment: NM_001754.5(RUNX1):c.1029C>T (p.Ser343=) is a synonymous variant. This variant is not predicted to impact splicing and not conserved (PhyloP = 1.99) (BP4, BP7). In summary, this variant meets criteria to be classified as likely benign. ACMG/AMP criteria applied, as specified by the Myeloid Malignancy Variant Curation Expert Panel for RUNX1: BP4, BP7.

Ambry Genetics
Classification: Likely benign for Inborn genetic diseases. Last evaluated: 2025-05-02. Review status: criteria provided, single submitter. Criteria: Ambry Variant Classification Scheme 2023. Collection method: clinical testing. Allele origin: germline. Not counted in ClinVar's aggregate classification.

Labcorp Genetics (formerly Invitae), Labcorp
Classification: Likely benign for Hereditary thrombocytopenia and hematological cancer predisposition syndrome associated with RUNX1. Last evaluated: 2024-08-12. Review status: criteria provided, single submitter. Criteria: Invitae Variant Classification Sherloc (09022015). Collection method: clinical testing. Allele origin: germline. Not counted in ClinVar's aggregate classification.

NM_001754.5(RUNX1):c.1029C>T (p.Ser343=)

Gene: RUNX1 (RUNX family transcription factor 1; minus strand). Cytogenetic location: 21q22.12.
Variant type: single nucleotide variant.
Coding change: c.1029C>T on transcript NM_001754.5 (MANE Select); coding-DNA position 1029, C replaced by T.
Protein change: p.Ser343=; no amino-acid change (serine 343 retained).
Molecular consequence: synonymous variant.
Genome position (GRCh38, 1-based): chr21:34,792,549, G>A on the plus strand (C>T on the coding strand, the complement: RUNX1 is on the minus strand). VCF-style: chr21-34792549-G-A. GRCh37 (hg19) VCF-style: chr21-36164846-G-A.
Other names: NM_001754.5(RUNX1):c.1029C>T; p.Ser343=; c.948C>T, p.Ser316= (NM_001001890.3).
Identifiers: ClinVar variation 696304 (VCV000696304.12), dbSNP rs767579059, ClinGen allele CA10014220.